The following is an entry in ClinVar:

NM_000059.4(BRCA2):c.6908C>T (p.Ser2303Phe)

Gene: BRCA2 (BRCA2 DNA repair associated; plus strand). Cytogenetic location: 13q13.1.
Variant type: single nucleotide variant.
Coding change: c.6908C>T on transcript NM_000059.4 (MANE Select); coding-DNA position 6908, C replaced by T.
Protein change: p.Ser2303Phe; replaces serine 2303 with phenylalanine.
Molecular consequence: missense variant.
Genome position (GRCh38, 1-based): chr13:32,344,624, C>T. VCF-style: chr13-32344624-C-T. GRCh37 (hg19) VCF-style: chr13-32918761-C-T.
Other names: short protein forms S2303F.
Identifiers: ClinVar variation 659535 (VCV000659535.10), dbSNP rs1239798218, ClinGen allele CA387792883.

ClinVar aggregate classification (germline): Uncertain significance. Review status: criteria provided, single submitter (1 of 4 stars). 2 submissions from 2 submitters: Uncertain significance (1). 1 of the submissions does not count toward it. Last evaluated 2022-12-15.

Conditions:
Breast-ovarian cancer, familial, susceptibility to, 2 (BROVCA2). Also called: BRCA2 Hereditary Breast and Ovarian Cancer. Identifiers: Orphanet 145, MedGen C2675520, MONDO:0012933, OMIM 612555. Disease mechanism: loss of function.
Hereditary breast ovarian cancer syndrome. Also called: Hereditary breast and ovarian cancer; Breast and ovarian cancer; BRCA1- and BRCA2-Associated Hereditary Breast and Ovarian Cancer; Hereditary breast and ovarian cancer syndrome (HBOC); Hereditary breast and/or ovarian cancer syndrome; Hereditary breast and ovarian cancer syndrome. Identifiers: Orphanet 145, MedGen C0677776, MeSH D061325, MONDO:0003582. Disease mechanism: loss of function.

Allele frequency attached by ClinVar (database versions not stated): gnomAD exomes below 0.00001; gnomAD 0.00001.
gnomAD v4.1: 2 of 1,581,796 alleles (0.00013%); highest among the groups gnomAD compares: Non-Finnish European, 0.00017%; no homozygotes.

Submissions (2):

Labcorp Genetics (formerly Invitae), Labcorp
Classification: Uncertain significance for Hereditary breast ovarian cancer syndrome. Last evaluated: 2022-12-15. Review status: criteria provided, single submitter. Criteria: Invitae Variant Classification Sherloc (09022015). Collection method: clinical testing. Allele origin: germline.
Comment: This sequence change replaces serine, which is neutral and polar, with phenylalanine, which is neutral and non-polar, at codon 2303 of the BRCA2 protein (p.Ser2303Phe). This variant is present in population databases (no rsID available, gnomAD 0.0009%). This missense change has been observed in individual(s) with BRCA2-related conditions (PMID: 21520333). ClinVar contains an entry for this variant (Variation ID: 659535). Advanced modeling of protein sequence and biophysical properties (such as structural, functional, and spatial information, amino acid conservation, physicochemical variation, residue mobility, and thermodynamic stability) performed at Invitae indicates that this missense variant is not expected to disrupt BRCA2 protein function. In summary, the available evidence is currently insufficient to determine the role of this variant in disease. Therefore, it has been classified as a Variant of Uncertain Significance.

BRCAlab, Lund University
Classification: Uncertain significance for Breast-ovarian cancer, familial, susceptibility to, 2. Last evaluated: 2020-03-02. Review status: no assertion criteria provided. Collection method: clinical testing. Allele origin: germline. Affected: yes. Not counted in ClinVar's aggregate classification.

Literature cited by the submitters: PubMed 21520333 (cited by Labcorp Genetics (formerly Invitae), Labcorp).